The following is an entry in ClinVar:

ClinVar aggregate classification (germline): Uncertain significance. Review status: criteria provided, multiple submitters, no conflicts (2 of 4 stars). 4 submissions from 4 submitters: Uncertain significance (4). Last evaluated 2025-05-07.

Conditions:
Cardiovascular phenotype. Identifiers: MedGen CN230736.

Allele frequency attached by ClinVar (database versions not stated): gnomAD 0.00003 and 0.00005; gnomAD exomes 0.00003; TOPMed 0.00005.
gnomAD v4.1: 39 of 1,550,324 alleles (0.0025%); highest among the groups gnomAD compares: East Asian, 0.015%; no homozygotes.

Submissions (4):

Ambry Genetics
Classification: Uncertain significance for Cardiovascular phenotype. Last evaluated: 2025-05-07. Review status: criteria provided, single submitter. Criteria: Ambry Variant Classification Scheme 2023. Collection method: clinical testing. Allele origin: germline.

GeneDx
Classification: Uncertain significance. Last evaluated: 2024-07-24. Review status: criteria provided, single submitter. Criteria: GeneDx Variant Classification Process June 2021. Collection method: clinical testing. Allele origin: germline. Affected: yes.
Comment: In silico analysis supports that this missense variant has a deleterious effect on protein structure/function; Has not been previously published as pathogenic or benign to our knowledge

Blueprint Genetics
Classification: Uncertain significance. Last evaluated: 2024-05-16. Review status: criteria provided, single submitter. Criteria: ACMG Guidelines, 2015. Collection method: clinical testing. Allele origin: germline.

Labcorp Genetics (formerly Invitae), Labcorp
Classification: Uncertain significance. Last evaluated: 2024-01-02. Review status: criteria provided, single submitter. Criteria: Invitae Variant Classification Sherloc (09022015). Collection method: clinical testing. Allele origin: germline.
Comment: This sequence change replaces glycine, which is neutral and non-polar, with arginine, which is basic and polar, at codon 3909 of the ZNF469 protein (p.Gly3909Arg). This variant is present in population databases (no rsID available, gnomAD 0.03%). This variant has not been reported in the literature in individuals affected with ZNF469-related conditions. ClinVar contains an entry for this variant (Variation ID: 321032). An algorithm developed to predict the effect of missense changes on protein structure and function (PolyPhen-2) suggests that this variant is likely to be disruptive. In summary, the available evidence is currently insufficient to determine the role of this variant in disease. Therefore, it has been classified as a Variant of Uncertain Significance.

NM_001367624.2(ZNF469):c.11809G>A (p.Gly3937Arg)

Gene: ZNF469 (zinc finger protein 469; plus strand). Cytogenetic location: 16q24.2.
Variant type: single nucleotide variant.
Coding change: c.11809G>A on transcript NM_001367624.2 (MANE Select); coding-DNA position 11809, G replaced by A.
Protein change: p.Gly3937Arg; replaces glycine 3937 with arginine.
Molecular consequence: missense variant.
Genome position (GRCh38, 1-based): chr16:88,439,279, G>A. VCF-style: chr16-88439279-G-A. GRCh37 (hg19) VCF-style: chr16-88505687-G-A.
Other names: NM_001127464.1:c.11725G>A; short protein forms G3937R.
Identifiers: ClinVar variation 321032 (VCV000321032.16), dbSNP rs886052421, ClinGen allele CA10638630.